The following is an entry in ClinVar:

NM_015909.4(NBAS):c.6931C>G (p.Arg2311Gly)

Gene: NBAS (NBAS subunit of NRZ tethering complex; minus strand). Cytogenetic location: 2p24.3.
Variant type: single nucleotide variant.
Coding change: c.6931C>G on transcript NM_015909.4 (MANE Select); coding-DNA position 6931, C replaced by G.
Protein change: p.Arg2311Gly; replaces arginine 2311 with glycine.
Molecular consequence: missense variant. On other transcripts: non-coding transcript variant (1).
Genome position (GRCh38, 1-based): chr2:15,167,233, G>C on the plus strand (C>G on the coding strand, the complement: NBAS is on the minus strand). VCF-style: chr2-15167233-G-C. GRCh37 (hg19) VCF-style: chr2-15307357-G-C.
Other names: short protein forms R2311G.
Identifiers: ClinVar variation 1478696 (VCV001478696.8), dbSNP rs769181635, ClinGen allele CA345911605.

ClinVar aggregate classification (germline): Uncertain significance (1 of 4 stars; one submission).

gnomAD v4.1: 1 of 1,614,246 alleles (0.000062%); highest among the groups gnomAD compares: Middle Eastern, 0.017%; no homozygotes.

Submission:

Labcorp Genetics (formerly Invitae), Labcorp
Classification: Uncertain significance. Last evaluated: 2021-04-10. Review status: criteria provided, single submitter. Criteria: Invitae Variant Classification Sherloc (09022015). Collection method: clinical testing. Allele origin: germline.
Comment: In summary, the available evidence is currently insufficient to determine the role of this variant in disease. Therefore, it has been classified as a Variant of Uncertain Significance. Algorithms developed to predict the effect of sequence changes on RNA splicing suggest that this variant may create or strengthen a splice site, but this prediction has not been confirmed by published transcriptional studies. Algorithms developed to predict the effect of missense changes on protein structure and function are either unavailable or do not agree on the potential impact of this missense change (SIFT: "Deleterious"; PolyPhen-2: "Benign"; Align-GVGD: "Class C35"). This variant has not been reported in the literature in individuals with NBAS-related conditions. This variant is not present in population databases (ExAC no frequency). This sequence change replaces arginine with glycine at codon 2311 of the NBAS protein (p.Arg2311Gly). The arginine residue is highly conserved and there is a moderate physicochemical difference between arginine and glycine.